The following is an entry in ClinVar:

ClinVar aggregate classification (germline): Pathogenic. Review status: reviewed by expert panel (3 of 4 stars). 2 submissions from 2 submitters: Pathogenic (1). 1 of the submissions does not count toward it. Last evaluated 2020-04-16.

Conditions:
Phenylketonuria (PKU). Also called: OLIGOPHRENIA PHENYLPYRUVICA; Phenylketonurias; FOLLING DISEASE; Phenylketonuria (PKU). Identifiers: Orphanet 716, MedGen C0031485, MONDO:0009861, OMIM 261600. Disease mechanism: loss of function.

Submissions (2):

ClinGen PAH Variant Curation Expert Panel
Classification: Pathogenic for Phenylketonuria. Last evaluated: 2020-04-16. Review status: reviewed by expert panel. Criteria: ClinGen PAH ACMG Specifications v1. Collection method: curation. Allele origin: germline. Inheritance: Autosomal recessive inheritance.
Comment: The c.346_347del (p.Asp116fs) variant in PAH is a null variant (frameshift variant) in a gene where LOF is a known mechanism of disease, leading to premature truncation and NMD (PVS1). It is absent from ethnically diverse control databases, including gnomAD/ExAC, 1000 Genomes, and ESP (PM2). BH4 deficiency was formally excluded by urinary pterin analysis (PP4_Moderate). The patient was compound heterozygous for the variant (confirmed by parental testing) and carried it in trans with the p.E390G variant (Likely Pathogenic per ClinGen PAH working group) (PM3). It is also reported pathogenic in Clinvar (ID 635217) by one lab, in a case with PKU; no further information is given.

Center for Molecular Medicine, Children’s Hospital of Fudan University
Classification: Pathogenic for Phenylketonuria. Last evaluated: 2019-03-08. Review status: no assertion criteria provided. Collection method: clinical testing. Allele origin: de novo. Affected: yes. Not counted in ClinVar's aggregate classification.

NM_000277.3(PAH):c.346_347del (p.Asp116fs)

Gene: PAH (phenylalanine hydroxylase; minus strand). Cytogenetic location: 12q23.2.
Variant type: Deletion.
Coding change: c.346_347del on transcript NM_000277.3 (MANE Select); coding-DNA positions 346 to 347, 2 bases deleted (GA; older notation c.346_347delGA).
Protein change: p.Asp116fs; shifts the reading frame from aspartic acid 116.
Molecular consequence: frameshift variant.
Genome position (GRCh38, 1-based): chr12:102,894,740-102,894,741, TC deleted on the plus strand (GA on the coding strand, the reverse complement: PAH is on the minus strand); deleting any 2 consecutive bases within chr12:102,894,740-102,894,742 gives the same sequence; the c. name uses the placement nearest the transcript's 3' end. VCF-style (leftmost placement, unchanged base first): chr12-102894739-GTC-G. GRCh37 (hg19) VCF-style: chr12-103288517-GTC-G.
Other names: c.346_347del, p.Asp116fs (NM_001354304.2); c.346_347delGA (NM_000277.3); short protein forms D116fs.
Identifiers: ClinVar variation 635217 (VCV000635217.6), dbSNP rs1592978629, ClinGen allele CA915946683.